The following is an entry in ClinVar:

ClinVar aggregate classification (germline): Likely benign. Review status: criteria provided, multiple submitters, no conflicts (2 of 4 stars). 3 submissions from 3 submitters: Likely benign (3). Last evaluated 2024-12-19.

Conditions:
CACNA1F-related disorder. Also called: CACNA1F-related condition.

Allele frequency attached by ClinVar (database versions not stated): gnomAD exomes 0.00001; TOPMed 0.00002.
gnomAD v4.1: 11 of 1,204,404 alleles (0.00091%); highest among the groups gnomAD compares: Admixed American, 0.011%; no homozygotes.

Submissions (3):

PreventionGenetics, part of Exact Sciences
Classification: Likely benign for CACNA1F-related condition. Last evaluated: 2024-12-19. Review status: criteria provided, single submitter. Criteria: ACMG Guidelines, 2015. Collection method: clinical testing. Allele origin: germline.
Comment: This variant is classified as likely benign based on ACMG/AMP sequence variant interpretation guidelines (Richards et al. 2015 PMID: 25741868, with internal and published modifications).

Labcorp Genetics (formerly Invitae), Labcorp
Classification: Likely benign. Last evaluated: 2023-03-22. Review status: criteria provided, single submitter. Criteria: Invitae Variant Classification Sherloc (09022015). Collection method: clinical testing. Allele origin: germline.

Blueprint Genetics
Classification: Likely benign. Last evaluated: 2019-10-14. Review status: criteria provided, single submitter. Criteria: ACMG Guidelines, 2015. Collection method: clinical testing. Allele origin: germline.

NM_001256789.3(CACNA1F):c.5622G>A (p.Ser1874=)

Gene: CACNA1F (calcium voltage-gated channel subunit alpha1 F; minus strand). Cytogenetic location: Xp11.23.
Variant type: single nucleotide variant.
Coding change: c.5622G>A on transcript NM_001256789.3 (MANE Select); coding-DNA position 5622, G replaced by A.
Protein change: p.Ser1874=; no amino-acid change (serine 1874 retained).
Molecular consequence: synonymous variant.
Genome position (GRCh38, 1-based): chrX:49,205,664, C>T on the plus strand (G>A on the coding strand, the complement: CACNA1F is on the minus strand). VCF-style: chrX-49205664-C-T. GRCh37 (hg19) VCF-style: chrX-49062124-C-T.
Other names: c.5655G>A (NM_005183.3); c.5460G>A, p.Ser1820= (NM_001256790.3); c.5655G>A, p.Ser1885= (NM_005183.4).
Identifiers: ClinVar variation 2717225 (VCV002717225.5), dbSNP rs1557104684, ClinGen allele CA516566856.